The following is an entry in ClinVar:

ClinVar aggregate classification (germline): Uncertain significance (1 of 4 stars; one submission).

Submission:

Labcorp Genetics (formerly Invitae), Labcorp
Classification: Uncertain significance. Last evaluated: 2025-06-15. Review status: criteria provided, single submitter. Criteria: Invitae Variant Classification Sherloc (09022015). Collection method: clinical testing. Allele origin: germline.
Comment: This sequence change replaces leucine, which is neutral and non-polar, with methionine, which is neutral and non-polar, at codon 42 of the HOXB13 protein (p.Leu42Met). Information on the frequency of this variant in the gnomAD database is not available, as this variant may be reported differently in the database. This variant has not been reported in the literature in individuals affected with HOXB13-related conditions. ClinVar contains an entry for this variant (Variation ID: 1061636). Experimental studies and prediction algorithms are not available or were not evaluated, and the functional significance of this variant is currently unknown. In summary, the available evidence is currently insufficient to determine the role of this variant in disease. Therefore, it has been classified as a Variant of Uncertain Significance.

NM_006361.6(HOXB13):c.123_124delinsAA (p.Leu42Met)

Gene: HOXB13 (homeobox B13; minus strand). Cytogenetic location: 17q21.32.
Variant type: Indel.
Coding change: c.123_124delinsAA on transcript NM_006361.6 (MANE Select); coding-DNA positions 123 to 124, GC replaced by AA.
Protein change: p.Leu42Met; replaces leucine 42 with methionine.
Molecular consequence: missense variant.
Genome position (GRCh38, 1-based): chr17:48,728,470-48,728,471, GC replaced by TT on the plus strand (GC replaced by AA on the coding strand, the reverse complement: HOXB13 is on the minus strand). VCF-style: chr17-48728470-GC-TT. GRCh37 (hg19) VCF-style: chr17-46805832-GC-TT.
Other names: short protein forms L42M.
Identifiers: ClinVar variation 1061636 (VCV001061636.9), dbSNP rs2143074917, ClinGen allele CA2499224685.
Genomic context (GRCh38, chr17:48,728,470, plus strand): 5'-GCTTTGGCGGCTCCGCCGAGCCTGGCAGATCCAAGGGGGCATAGTTGACAGCAGGCATCA[GC>TT]GTAGGCGCCGCTGGGTGGCTGGTCAGAGGGGAGTGGGCGACCAGATTCCGCCCCCCTCCC-3'
Protein context (NP_006352.2, residues 32-52): PLTSHPAAPT[Leu42Met]MPAVNYAPLD